The following is an entry in ClinVar:

NM_002691.4(POLD1):c.2388+9C>G

Gene: POLD1 (DNA polymerase delta 1, catalytic subunit; plus strand). Cytogenetic location: 19q13.33.
Variant type: single nucleotide variant.
Coding change: c.2388+9C>G on transcript NM_002691.4 (MANE Select); 9 bases into the intron after coding-DNA position 2388, C replaced by G.
Molecular consequence: intron variant.
Genome position (GRCh38, 1-based): chr19:50,413,888, C>G. VCF-style: chr19-50413888-C-G. GRCh37 (hg19) VCF-style: chr19-50917145-C-G.
Other names: c.2466+9C>G (LRG_785t2, NM_001308632.1); c.2388+9C>G (LRG_785t1, NM_001256849.1).
Identifiers: ClinVar variation 392655 (VCV000392655.6), dbSNP rs1001555540, ClinGen allele CA16607926.
Genomic context (GRCh38, chr19:50,413,888, plus strand): 5'-GGACTGGGTGTCAGGTCACTTCCCGTCGCCCATCCGGCTGGAGTTTGAGAAGGTGCGTGG[C>G]TGGGTCAGGGGCTCTGCATTTAGGTGCCCTCATCAGGGTACTCAGGGTGTCCCGTTCTTT-3'

ClinVar aggregate classification (germline): Likely benign. Review status: criteria provided, multiple submitters, no conflicts (2 of 4 stars). 2 submissions from 2 submitters: Likely benign (2). Last evaluated 2025-11-09.

Conditions:
POLD1-related polyposis and colorectal cancer syndrome (CRCS10). Also called: Colorectal cancer, susceptibility to, 10; Colorectal cancer 10; COLORECTAL CANCER, SUSCEPTIBILITY TO, ON CHROMOSOME 19q. Identifiers: Orphanet 220460, MedGen C2675481, MONDO:0012953, OMIM 612591.

Submissions (2):

Labcorp Genetics (formerly Invitae), Labcorp
Classification: Likely benign for POLD1-related polyposis and colorectal cancer syndrome. Last evaluated: 2025-11-09. Review status: criteria provided, single submitter. Criteria: Invitae Variant Classification Sherloc (09022015). Collection method: clinical testing. Allele origin: germline.

GeneDx
Classification: Likely benign. Last evaluated: 2017-01-05. Review status: criteria provided, single submitter. Criteria: GeneDx Variant Classification (06012015). Collection method: clinical testing. Allele origin: germline. Affected: yes.
Comment: This variant is considered likely benign or benign based on one or more of the following criteria: it is a conservative change, it occurs at a poorly conserved position in the protein, it is predicted to be benign by multiple in silico algorithms, and/or has population frequency not consistent with disease.